The following is an entry in ClinVar:

NM_016122.3(CEP83):c.565G>A (p.Glu189Lys)

Gene: CEP83 (centrosomal protein 83; minus strand). Cytogenetic location: 12q22.
Variant type: single nucleotide variant.
Coding change: c.565G>A on transcript NM_016122.3 (MANE Select); coding-DNA position 565, G replaced by A.
Protein change: p.Glu189Lys; replaces glutamic acid 189 with lysine.
Molecular consequence: missense variant. On other transcripts: non-coding transcript variant (3).
Genome position (GRCh38, 1-based): chr12:94,379,027, C>T on the plus strand (G>A on the coding strand, the complement: CEP83 is on the minus strand). VCF-style: chr12-94379027-C-T. GRCh37 (hg19) VCF-style: chr12-94772803-C-T.
Other names: c.565G>A, p.Glu189Lys (NM_001042399.2, NM_001346457.2, NM_001346460.2 and 3 more transcripts); c.253G>A, p.Glu85Lys (NM_001346458.2, NM_001346459.2, NM_001346462.2 and 2 more transcripts); c.340G>A, p.Glu114Lys (NM_001368041.1); c.28G>A, p.Glu10Lys (NM_001368042.1); short protein forms E189K, E10K, E114K, E85K.
Identifiers: ClinVar variation 2056829 (VCV002056829.1), dbSNP rs780821915, ClinGen allele CA6721895.
Genomic context (GRCh38, chr12:94,379,027, plus strand): 5'-GTTTGCTGTCTTTTGTGAGATCAACATTAAGCAGCTGGTTACGTAGTTCTTCTTTATCTT[C>T]CTCCAGTCTTGCAATCTAATAATAATTTTAAAGAAAGCATACAAGGTTAAATTATTAAAT-3'
Protein context (NP_057206.2, residues 179-199): KYESEIARLE[Glu189Lys]DKEELRNQLL

ClinVar aggregate classification (germline): Uncertain significance (1 of 4 stars; one submission).

Conditions:
Nephronophthisis 18 (NPHP18). Identifiers: Orphanet 655, MedGen C3890591, MONDO:0014374, OMIM 615862.

Allele frequency attached by ClinVar (database versions not stated): TOPMed 0.00001; gnomAD exomes 0.00002; ExAC 0.00003; gnomAD 0.00004.
gnomAD v4.1: 31 of 1,606,156 alleles (0.0019%); highest among the groups gnomAD compares: African/African-American, 0.0027%; no homozygotes.

Submission:

Labcorp Genetics (formerly Invitae), Labcorp
Classification: Uncertain significance for Nephronophthisis 18. Last evaluated: 2022-03-04. Review status: criteria provided, single submitter. Criteria: Invitae Variant Classification Sherloc (09022015). Collection method: clinical testing. Allele origin: germline.
Comment: This sequence change replaces glutamic acid, which is acidic and polar, with lysine, which is basic and polar, at codon 189 of the CEP83 protein (p.Glu189Lys). This variant is present in population databases (rs780821915, gnomAD 0.008%). This variant has not been reported in the literature in individuals affected with CEP83-related conditions. Algorithms developed to predict the effect of missense changes on protein structure and function output the following: SIFT: "Not Available"; PolyPhen-2: "Benign"; Align-GVGD: "Not Available". The lysine amino acid residue is found in multiple mammalian species, which suggests that this missense change does not adversely affect protein function. In summary, the available evidence is currently insufficient to determine the role of this variant in disease. Therefore, it has been classified as a Variant of Uncertain Significance.